The following is an entry in ClinVar:

NM_000310.4(PPT1):c.832G>A (p.Gly278Arg)

Gene: PPT1 (palmitoyl-protein thioesterase 1; minus strand). Cytogenetic location: 1p34.2.
Variant type: single nucleotide variant.
Coding change: c.832G>A on transcript NM_000310.4 (MANE Select); coding-DNA position 832, G replaced by A.
Protein change: p.Gly278Arg; replaces glycine 278 with arginine.
Molecular consequence: missense variant.
Genome position (GRCh38, 1-based): chr1:40,074,150, C>T on the plus strand (G>A on the coding strand, the complement: PPT1 is on the minus strand). VCF-style: chr1-40074150-C-T. GRCh37 (hg19) VCF-style: chr1-40539822-C-T.
Other names: c.523G>A, p.Gly175Arg (NM_001142604.2); c.760G>A, p.Gly254Arg (NM_001363695.2); short protein forms G254R, G278R, G175R.
Identifiers: ClinVar variation 972558 (VCV000972558.9), dbSNP rs1243793048, ClinGen allele CA339845682.

ClinVar aggregate classification (germline): Uncertain significance (1 of 4 stars; one submission).

Conditions:
Neuronal ceroid lipofuscinosis 1 (CLN1). Also called: CEROID LIPOFUSCINOSIS, NEURONAL, 1, VARIABLE AGE AT ONSET; PPT1-Related Neuronal Ceroid-Lipofuscinosis. Identifiers: Orphanet 228329, MedGen C1850451, MONDO:0009744, OMIM 256730.

Submission:

Labcorp Genetics (formerly Invitae), Labcorp
Classification: Uncertain significance for Neuronal ceroid lipofuscinosis 1. Last evaluated: 2022-08-09. Review status: criteria provided, single submitter. Criteria: Invitae Variant Classification Sherloc (09022015). Collection method: clinical testing. Allele origin: germline.
Comment: In summary, the available evidence is currently insufficient to determine the role of this variant in disease. Therefore, it has been classified as a Variant of Uncertain Significance. Advanced modeling of protein sequence and biophysical properties (such as structural, functional, and spatial information, amino acid conservation, physicochemical variation, residue mobility, and thermodynamic stability) performed at Invitae indicates that this missense variant is expected to disrupt PPT1 protein function. ClinVar contains an entry for this variant (Variation ID: 972558). This variant has not been reported in the literature in individuals affected with PPT1-related conditions. This variant is not present in population databases (gnomAD no frequency). This sequence change replaces glycine, which is neutral and non-polar, with arginine, which is basic and polar, at codon 278 of the PPT1 protein (p.Gly278Arg).